The following is an entry in ClinVar:

ClinVar aggregate classification (germline): Uncertain significance (1 of 4 stars; one submission).

Submission:

GeneDx
Classification: Uncertain significance. Last evaluated: 2019-04-01. Review status: criteria provided, single submitter. Criteria: GeneDx Variant Classification Process June 2021. Collection method: clinical testing. Allele origin: germline. Affected: yes.
Comment: Has not been previously published as pathogenic or benign to our knowledge; Not observed in large population cohorts (Lek et al., 2016); In silico analysis, which includes protein predictors and evolutionary conservation, supports a deleterious effect

NM_001040142.2(SCN2A):c.2279T>A (p.Phe760Tyr)

Gene: SCN2A (sodium voltage-gated channel alpha subunit 2; plus strand). Cytogenetic location: 2q24.3.
Variant type: single nucleotide variant.
Coding change: c.2279T>A on transcript NM_001040142.2 (MANE Select); coding-DNA position 2279, T replaced by A.
Protein change: p.Phe760Tyr; replaces phenylalanine 760 with tyrosine.
Molecular consequence: missense variant.
Genome position (GRCh38, 1-based): chr2:165,331,459, T>A. VCF-style: chr2-165331459-T-A. GRCh37 (hg19) VCF-style: chr2-166187969-T-A.
Other names: c.2279T>A, p.Phe760Tyr (NM_001040143.2, NM_001371246.1, NM_001371247.1 and 1 more transcripts); short protein forms F760Y.
Identifiers: ClinVar variation 1317141 (VCV001317141.2), dbSNP rs1698669420, ClinGen allele CA349031119.